The following is an entry in ClinVar:

ClinVar aggregate classification (germline): Conflicting classifications of pathogenicity. Review status: criteria provided, conflicting classifications (1 of 4 stars). 9 submissions from 9 submitters: Uncertain significance (6); Likely benign (3). Last evaluated 2026-04-20.

Conditions:
Catecholaminergic polymorphic ventricular tachycardia 1. Also called: VENTRICULAR TACHYCARDIA, CATECHOLAMINERGIC POLYMORPHIC, 1, WITH OR WITHOUT ATRIAL DYSFUNCTION AND/OR DILATED CARDIOMYOPATHY; VENTRICULAR TACHYCARDIA, STRESS-INDUCED POLYMORPHIC 1; RYR2-Related Catecholaminergic Polymorphic Ventricular Tachycardia. Identifiers: Orphanet 3286, MedGen C1631597, MONDO:0011484, OMIM 604772.
Ventricular arrhythmias due to cardiac ryanodine receptor calcium release deficiency syndrome. Also called: Autosomal dominant cardiac arrhythmia (Kuhn). Identifiers: MedGen C5542154, MONDO:0020745, OMIM 115000.
Cardiovascular phenotype. Identifiers: MedGen CN230736.
Catecholaminergic polymorphic ventricular tachycardia (CVPT). Also called: Catecholamine-induced polymorphic ventricular tachycardia. Identifiers: Orphanet 3286, MedGen C5574922, MONDO:0017990.
Cardiomyopathy (CMYO). Also called: Cardiomyopathies. Identifiers: Orphanet 167848, MedGen C0878544, MONDO:0004994, HP:0001638. Inheritance: Various modes of inheritance.

Allele frequency attached by ClinVar (database versions not stated): ESP Exome Variant Server 0.00008; gnomAD 0.00009; gnomAD exomes 0.00011 and 0.00017; TOPMed 0.00012; ExAC 0.00023.
gnomAD v4.1: 262 of 1,605,904 alleles (0.016%); highest among the groups gnomAD compares: Non-Finnish European, 0.02%; no homozygotes.

Submissions (9):

Ambry Genetics
Classification: Uncertain significance for Cardiovascular phenotype. Last evaluated: 2026-04-20. Review status: criteria provided, single submitter. Criteria: Ambry Variant Classification Scheme 2023. Collection method: clinical testing. Allele origin: germline.
Comment: The c.2828T>C (p.L943S) alteration is located in exon 25 (coding exon 25) of the RYR2 gene. This alteration results from a T to C substitution at nucleotide position 2828, causing the leucine (L) at amino acid position 943 to be replaced by a serine (S). Based on data from gnomAD, the C allele has an overall frequency of 0.011% (30/268806) total alleles studied. The highest observed frequency was 0.018% (22/122756) of European (non-Finnish) alleles. Based on insufficient or conflicting evidence, the clinical significance of this alteration remains unclear.

Labcorp Genetics (formerly Invitae), Labcorp
Classification: Uncertain significance for Catecholaminergic polymorphic ventricular tachycardia 1. Last evaluated: 2026-01-19. Review status: criteria provided, single submitter. Criteria: Invitae Variant Classification Sherloc (09022015). Collection method: clinical testing. Allele origin: germline.
Comment: This sequence change replaces leucine, which is neutral and non-polar, with serine, which is neutral and polar, at codon 943 of the RYR2 protein (p.Leu943Ser). This variant is present in population databases (rs373665895, gnomAD 0.02%). This missense change has been observed in individual(s) with atrioventricular nodal reentry tachycardia, catecholaminergic polymorphic ventricular tachycardia, hypertrophic cardiomyopathy, and/or sudden infant death (PMID: 25351510, 28074886, 29396561, 31112425, 32152366). ClinVar contains an entry for this variant (Variation ID: 201232). Invitae Evidence Modeling of protein sequence and biophysical properties (such as structural, functional, and spatial information, amino acid conservation, physicochemical variation, residue mobility, and thermodynamic stability) has been performed for this missense variant. However, the output from this modeling did not meet the statistical confidence thresholds required to predict the impact of this variant on RYR2 protein function. In summary, the available evidence is currently insufficient to determine the role of this variant in disease. Therefore, it has been classified as a Variant of Uncertain Significance.

Blueprint Genetics
Classification: Likely benign. Last evaluated: 2024-10-30. Review status: criteria provided, single submitter. Criteria: ACMG Guidelines, 2015. Collection method: clinical testing. Allele origin: germline.

Color Diagnostics, LLC DBA Color Health
Classification: Likely benign for Cardiomyopathy. Last evaluated: 2024-05-03. Review status: criteria provided, single submitter. Criteria: ACMG Guidelines, 2015. Collection method: clinical testing. Allele origin: germline.

GeneDx
Classification: Uncertain significance. Last evaluated: 2024-01-30. Review status: criteria provided, single submitter. Criteria: GeneDx Variant Classification Process June 2021. Collection method: clinical testing. Allele origin: germline. Affected: yes.
Comment: Reported in association with hypertrophic cardiomyopathy, atrioventricular nodal reentry tachycardia (AVNRT), sudden infant death syndrome (SIDS), and CPVT (PMID: 25351510, 32508047, 28074886, 28404607, 29396561); Not located in one of the three hot-spot regions of the RYR2 gene, where the majority of pathogenic missense variants occur (PMID: 19926015); In silico analysis supports that this missense variant has a deleterious effect on protein structure/function; This variant is associated with the following publications: (PMID: 31112425, 32508047, 19926015, 28404607, 25351510, 28074886, 32152366, 29396561)

All of Us Research Program, National Institutes of Health
Classification: Uncertain significance for Catecholaminergic polymorphic ventricular tachycardia. Last evaluated: 2023-12-18. Review status: criteria provided, single submitter. Criteria: ACMG Guidelines, 2015. Collection method: clinical testing. Allele origin: germline. Inheritance: Autosomal dominant inheritance. Observed: 37 variant alleles, 37 heterozygotes.
Comment: This missense variant replaces leucine with serine at codon 943 of the RYR2 protein. Computational prediction suggests that this variant may have deleterious impact on protein structure and function (internally defined REVEL score threshold >= 0.7, PMID: 27666373). To our knowledge, functional studies have not been reported for this variant. This variant has been reported in two individuals with catecholaminergic polymorphic ventricular tachycardia (PMID: 31112425), in two individuals affected with atrioventricular nodal reentry tachycardia (PMID: 29396561, 32508047), in one individual affected with hypertrophic cardiomyopathy (PMID: 25351510), and in one infant with sudden death (PMID: 32152366). This variant occurs at an elevated frequency in the general population and has been identified in 30/268806 chromosomes in the general population by the Genome Aggregation Database (gnomAD). The available evidence is insufficient to determine the role of this variant in disease conclusively. Therefore, this variant is classified as a Variant of Uncertain Significance.

This study involves interpretation of variants in research participants for the purpose of population health screening. Participant phenotype was not available at the time of variant classification. Additional details can be found in publication PMID: 35346344, PMCID: PMC8962531

Women's Health and Genetics/Laboratory Corporation of America, LabCorp
Classification: Likely benign. Last evaluated: 2021-11-01. Review status: criteria provided, single submitter. Criteria: LabCorp Variant Classification Summary - May 2015. Collection method: clinical testing. Allele origin: germline.
Comment: Variant summary: RYR2 c.2828T>C (p.Leu943Ser) results in a non-conservative amino acid change located in the Ryanodine receptor, Ryr domain (IPR003032) of the encoded protein sequence. Four of five in-silico tools predict a damaging effect of the variant on protein function. The variant allele was found at a frequency of 0.00011 in 237416 control chromosomes. The observed variant frequency is approximately 3.0 fold of the estimated maximal expected allele frequency for a pathogenic variant in RYR2 causing Catecholaminergic Polymorphic Ventricular Tachycardia phenotype (3.4e-05), strongly suggesting that the variant is benign. c.2828T>C has been reported in the literature as a VUS in settings of multigene panel testing in cohorts of individuals with a variety of cardiac conditions such as SIDS/Atrioventricular nodal reentry tachycardia (AVNRT) (example, Neubauer_2017, Giudicessi_2019, Olubando_2020). These report(s) do not provide unequivocal conclusions about association of the variant with Catecholaminergic Polymorphic Ventricular Tachycardia. To our knowledge, no experimental evidence demonstrating an impact on protein function has been reported. Four clinical diagnostic laboratories have submitted clinical-significance assessments for this variant to ClinVar after 2014 without evidence for independent evaluation. All laboratories classified the variant as uncertain significance. Based on the evidence outlined above, the variant was classified as likely benign.

Stanford Center for Inherited Cardiovascular Disease, Stanford University
Classification: Uncertain significance. Last evaluated: 2017-08-16. Review status: criteria provided, single submitter. Criteria: ACMG Guidelines, 2015. Collection method: provider interpretation. Allele origin: germline.

Center for Genomics, Ann and Robert H. Lurie Children's Hospital of Chicago
Classification: Uncertain significance for Catecholaminergic polymorphic ventricular tachycardia 1; Ventricular arrhythmias due to cardiac ryanodine receptor calcium release deficiency syndrome. Review status: criteria provided, single submitter. Criteria: ACMG Guidelines, 2015. Collection method: clinical testing. Allele origin: germline.
Comment: RYR2 NM_001035.2 exon 25 p.Leu943Ser (c.2828T>C): This variant has been reported in the literature in one individual with HCM (Lopes 2015 PMID:25351510). This variant is also present in 0.01% (22/122756) of European alleles in the Genome Aggregation Database and is present in ClinVar (Variation ID:201232). Evolutionary conservation and computational predictive tools suggest that this variant may impact the protein. In summary, data on this variant is insufficient for disease classification. Therefore, the clinical significance of this variant is uncertain

Literature cited by the submitters: PubMed 25351510 (cited by 3 submitters); PubMed 28404607 (cited by Ambry Genetics); PubMed 29396561 (cited by 3 submitters); PubMed 31112425 (cited by 4 submitters); PubMed 28074886 (cited by Labcorp Genetics (formerly Invitae), Labcorp and Women's Health and Genetics/Laboratory Corporation of America, LabCorp); PubMed 32152366 (cited by 3 submitters); PubMed 32508047 (cited by All of Us Research Program, National Institutes of Health).

NM_001035.3(RYR2):c.2828T>C (p.Leu943Ser)

Gene: RYR2 (ryanodine receptor 2; plus strand). Cytogenetic location: 1q43.
Variant type: single nucleotide variant.
Coding change: c.2828T>C on transcript NM_001035.3 (MANE Select); coding-DNA position 2828, T replaced by C.
Protein change: p.Leu943Ser; replaces leucine 943 with serine.
Molecular consequence: missense variant.
Genome position (GRCh38, 1-based): chr1:237,530,432, T>C. VCF-style: chr1-237530432-T-C. GRCh37 (hg19) VCF-style: chr1-237693732-T-C.
Other names: p.L943S:TTG>TCG; c.2828T>C, p.Leu943Ser (LRG_402t1); short protein forms L943S.
Identifiers: ClinVar variation 201232 (VCV000201232.26), dbSNP rs373665895, ClinGen allele CA008963.